The following is an entry in ClinVar:

ClinVar aggregate classification (germline): Pathogenic/Likely pathogenic. Review status: criteria provided, multiple submitters, no conflicts (2 of 4 stars). 2 submissions from 2 submitters: Pathogenic (1); Likely pathogenic (1). Last evaluated 2023-12-02.

Conditions:
LAMA2-related muscular dystrophy (LAMA2-RD). Also called: Laminin alpha 2-related dystrophy. Identifiers: MedGen C5679788, MONDO:0100228.
Merosin deficient congenital muscular dystrophy (MDC1A). Also called: Congenital Muscular Dystrophy Type 1A (MDC1A); Congenital merosin-deficient muscular dystrophy 1A. Identifiers: Orphanet 258, MedGen C1263858, MONDO:0011925, OMIM 607855.

Submissions (2):

Baylor Genetics
Classification: Likely pathogenic for Merosin deficient congenital muscular dystrophy. Last evaluated: 2023-12-02. Review status: criteria provided, single submitter. Criteria: ACMG Guidelines, 2015. Collection method: clinical testing. Allele origin: unknown.

Labcorp Genetics (formerly Invitae), Labcorp
Classification: Pathogenic for LAMA2-related muscular dystrophy. Last evaluated: 2022-03-24. Review status: criteria provided, single submitter. Criteria: Invitae Variant Classification Sherloc (09022015). Collection method: clinical testing. Allele origin: germline.
Comment: This sequence change creates a premature translational stop signal (p.Val403Tyrfs*20) in the LAMA2 gene. It is expected to result in an absent or disrupted protein product. Loss-of-function variants in LAMA2 are known to be pathogenic (PMID: 18700894, 32904964). This variant is not present in population databases (gnomAD no frequency). This variant has not been reported in the literature in individuals affected with LAMA2-related conditions. This variant is also known as c.1206+1del . Algorithms developed to predict the effect of sequence changes on RNA splicing suggest that this variant may disrupt the consensus splice site. For these reasons, this variant has been classified as Pathogenic.

Literature cited by the submitters: PubMed 18700894 (cited by Labcorp Genetics (formerly Invitae), Labcorp); PubMed 32904964 (cited by Labcorp Genetics (formerly Invitae), Labcorp).

NM_000426.4(LAMA2):c.1206+1del

Gene: LAMA2 (laminin subunit alpha 2; plus strand). Cytogenetic location: 6q22.33.
Variant type: Deletion.
Coding change: c.1206+1del on transcript NM_000426.4 (MANE Select); the canonical splice donor site of the intron after coding-DNA position 1206, one base deleted (G; older notation c.1206+1delG).
Molecular consequence: splice donor variant.
Genome position (GRCh38, 1-based): chr6:129,154,684, G deleted; the last of 4 consecutive G bases (chr6:129,154,681-129,154,684); deleting any one gives the same sequence. VCF-style (leftmost placement, unchanged base first): chr6-129154680-AG-A. GRCh37 (hg19) VCF-style: chr6-129475825-AG-A.
Other names: c.1206+1del (NM_001079823.2).
Identifiers: ClinVar variation 1950588 (VCV001950588.6), dbSNP rs1343506367, ClinGen allele CA818812125.